The following is an entry in ClinVar:

NM_004370.6(COL12A1):c.7583A>G (p.Asn2528Ser)

Gene: COL12A1 (collagen type XII alpha 1 chain; minus strand). Cytogenetic location: 6q13.
Variant type: single nucleotide variant.
Coding change: c.7583A>G on transcript NM_004370.6 (MANE Select); coding-DNA position 7583, A replaced by G.
Protein change: p.Asn2528Ser; replaces asparagine 2528 with serine.
Molecular consequence: missense variant.
Genome position (GRCh38, 1-based): chr6:75,115,898, T>C on the plus strand (A>G on the coding strand, the complement: COL12A1 is on the minus strand). VCF-style: chr6-75115898-T-C. GRCh37 (hg19) VCF-style: chr6-75825614-T-C.
Other names: c.4091A>G, p.Asn1364Ser (NM_080645.3); short protein forms N1364S, N2528S.
Identifiers: ClinVar variation 936110 (VCV000936110.11), dbSNP rs1168175119, ClinGen allele CA364745506.

ClinVar aggregate classification (germline): Uncertain significance. Review status: criteria provided, multiple submitters, no conflicts (2 of 4 stars). 2 submissions from 2 submitters: Uncertain significance (2). Last evaluated 2025-06-09.

Conditions:
Ullrich congenital muscular dystrophy 2 (UCMD2). Identifiers: Orphanet 75840, MedGen C4225314, MONDO:0014654, OMIM 616470.
Bethlem myopathy 2 (BTHLM2). Identifiers: Orphanet 536516, Orphanet 610, MedGen C4225313, MONDO:0034022, OMIM 616471.

Allele frequency attached by ClinVar (database versions not stated): gnomAD exomes below 0.00001; TOPMed below 0.00001.
gnomAD v4.1: 1 of 1,613,322 alleles (0.000062%); highest among the groups gnomAD compares: Admixed American, 0.0017%; no homozygotes.

Submissions (2):

Labcorp Genetics (formerly Invitae), Labcorp
Classification: Uncertain significance for Bethlem myopathy 2; Ullrich congenital muscular dystrophy 2. Last evaluated: 2025-06-09. Review status: criteria provided, single submitter. Criteria: Invitae Variant Classification Sherloc (09022015). Collection method: clinical testing. Allele origin: germline.
Comment: This sequence change replaces asparagine, which is neutral and polar, with serine, which is neutral and polar, at codon 2528 of the COL12A1 protein (p.Asn2528Ser). This variant is present in population databases (no rsID available, gnomAD 0.003%). This variant has not been reported in the literature in individuals affected with COL12A1-related conditions. ClinVar contains an entry for this variant (Variation ID: 936110). Invitae Evidence Modeling of protein sequence and biophysical properties (such as structural, functional, and spatial information, amino acid conservation, physicochemical variation, residue mobility, and thermodynamic stability) has been performed for this missense variant. However, the output from this modeling did not meet the statistical confidence thresholds required to predict the impact of this variant on COL12A1 protein function. In summary, the available evidence is currently insufficient to determine the role of this variant in disease. Therefore, it has been classified as a Variant of Uncertain Significance.

Revvity Omics, Revvity
Classification: Uncertain significance. Last evaluated: 2023-11-28. Review status: criteria provided, single submitter. Criteria: ACMG Guidelines, 2015. Collection method: clinical testing. Allele origin: germline.